The following is an entry in ClinVar:

NM_004287.5(GOSR2):c.203+169G>C

Genes: GOSR2 (golgi SNAP receptor complex member 2; plus strand), LRRC37A2 (leucine rich repeat containing 37 member A2), LOC126862578 (BRD4-independent group 4 enhancer GRCh37_chr17:45008344-45009543; plus strand). Cytogenetic location: 17q21.32.
Variant type: single nucleotide variant.
Coding change: c.203+169G>C on transcript NM_004287.5 (MANE Select); 169 bases into the intron after coding-DNA position 203, G replaced by C.
Molecular consequence: intron variant.
Genome position (GRCh38, 1-based): chr17:46,931,376, G>C. VCF-style: chr17-46931376-G-C. GRCh37 (hg19) VCF-style: chr17-45008742-G-C.
Other names: c.203+169G>C (NM_001321133.2, NM_054022.4, NM_001330252.2 and 1 more transcripts); c.149+169G>C (NM_001363851.2, NM_001321134.2); c.200+169G>C (NM_001353114.2, NM_001353115.2, NM_001353116.2).
Identifiers: ClinVar variation 681778 (VCV000681778.2), dbSNP rs197923, ClinGen allele CA14449720.
Genomic context (GRCh38, chr17:46,931,376, plus strand): 5'-AACTATGACTATGCAAAGAAAAAGCCCCCTCAAAGGGCACAATTCTATCTGAGTGATGCC[G>C]CTCAAAATAAATAGCCTGTGAGGTTTGTGACTCAGAAACCTTGTGACCCCTTACCTCTTT-3'

ClinVar aggregate classification (germline): Benign. Review status: criteria provided, multiple submitters, no conflicts (2 of 4 stars). 2 submissions from 2 submitters: Benign (2). Last evaluated 2018-06-14.

Allele frequency attached by ClinVar (database versions not stated): TOPMed 0.26811; 1000 Genomes Project 30x 0.29403; 1000 Genomes Project 0.29852.
gnomAD v4.1: 208,158 of 632,128 alleles (33%); highest among the groups gnomAD compares: South Asian, 42%; 36,483 homozygotes.

Submissions (2):

GeneDx
Classification: Benign. Last evaluated: 2018-06-14. Review status: criteria provided, single submitter. Criteria: GeneDx Variant Classification (06012015). Collection method: clinical testing. Allele origin: germline. Affected: yes.
Comment: This variant is considered likely benign or benign based on one or more of the following criteria: it is a conservative change, it occurs at a poorly conserved position in the protein, it is predicted to be benign by multiple in silico algorithms, and/or has population frequency not consistent with disease.

Breakthrough Genomics
Classification: Benign. Review status: criteria provided, single submitter. Criteria: ACMG Guidelines, 2015. Collection method: not provided. Allele origin: germline. Inheritance: Autosomal recessive inheritance. Affected: yes.